The following is an entry in ClinVar:

ClinVar aggregate classification (germline): Uncertain significance. Review status: criteria provided, multiple submitters, no conflicts (2 of 4 stars). 3 submissions from 3 submitters: Uncertain significance (3). Last evaluated 2025-01-29.

Conditions:
Inborn genetic diseases. Identifiers: MedGen C0950123, MeSH D030342.

Allele frequency attached by ClinVar (database versions not stated): gnomAD 0.00001; TOPMed 0.00003.
gnomAD v4.1: 26 of 1,614,006 alleles (0.0016%); highest among the groups gnomAD compares: East Asian, 0.0089%; no homozygotes.

Submissions (3):

Ambry Genetics
Classification: Uncertain significance for Inborn genetic diseases. Last evaluated: 2025-01-29. Review status: criteria provided, single submitter. Criteria: Ambry Variant Classification Scheme 2023. Collection method: clinical testing. Allele origin: germline.

Blueprint Genetics
Classification: Uncertain significance. Last evaluated: 2024-06-06. Review status: criteria provided, single submitter. Criteria: ACMG Guidelines, 2015. Collection method: clinical testing. Allele origin: germline.

Labcorp Genetics (formerly Invitae), Labcorp
Classification: Uncertain significance. Last evaluated: 2021-12-14. Review status: criteria provided, single submitter. Criteria: Invitae Variant Classification Sherloc (09022015). Collection method: clinical testing. Allele origin: germline.
Comment: This sequence change replaces arginine, which is basic and polar, with glutamine, which is neutral and polar, at codon 243 of the SCO2 protein (p.Arg243Gln). This variant is present in population databases (rs767809670, gnomAD 0.006%). This variant has not been reported in the literature in individuals affected with SCO2-related conditions. Algorithms developed to predict the effect of missense changes on protein structure and function are either unavailable or do not agree on the potential impact of this missense change (SIFT: "Tolerated"; PolyPhen-2: "Probably Damaging"; Align-GVGD: "Class C0"). In summary, the available evidence is currently insufficient to determine the role of this variant in disease. Therefore, it has been classified as a Variant of Uncertain Significance.

NM_005138.3(SCO2):c.728G>A (p.Arg243Gln)

Genes: NCAPH2 (non-SMC condensin II complex subunit H2; plus strand), SCO2 (synthesis of cytochrome C oxidase 2; minus strand). Cytogenetic location: 22q13.33.
Variant type: single nucleotide variant.
Coding change: c.728G>A on transcript NM_005138.3 (MANE Select); coding-DNA position 728, G replaced by A.
Protein change: p.Arg243Gln; replaces arginine 243 with glutamine.
Molecular consequence: missense variant. On other transcripts: 3 prime UTR variant (2).
Genome position (GRCh38, 1-based): chr22:50,523,684, C>T on the plus strand (G>A on the coding strand, the complement: SCO2 is on the minus strand). VCF-style: chr22-50523684-C-T. GRCh37 (hg19) VCF-style: chr22-50962113-C-T.
Other names: c.*309C>T (NM_001185011.2, NM_152299.4); c.728G>A, p.Arg243Gln (NM_001169109.2, NM_001169110.1, NM_001169111.2); short protein forms R243Q.
Identifiers: ClinVar variation 1472512 (VCV001472512.6), dbSNP rs767809670, ClinGen allele CA10321129.